The following is an entry in ClinVar:

ClinVar aggregate classification (germline): Likely benign (1 of 4 stars; one submission).

gnomAD v4.1: 211 of 1,611,048 alleles (0.013%); highest among the groups gnomAD compares: South Asian, 0.13%; 2 homozygotes.

Submission:

CeGaT Center for Human Genetics Tuebingen
Classification: Likely benign. Last evaluated: 2026-04-01. Review status: criteria provided, single submitter. Criteria: CeGaT Center For Human Genetics Tuebingen Variant Classification Criteria Version 2. Collection method: clinical testing. Allele origin: germline. Affected: yes. Observed: 1 variant allele.
Comment: IL17RD: BP4, BP7

NM_017563.5(IL17RD):c.231C>T (p.Asp77=)

Gene: IL17RD (interleukin 17 receptor D; minus strand). Cytogenetic location: 3p14.3.
Variant type: single nucleotide variant.
Coding change: c.231C>T on transcript NM_017563.5 (MANE Select); coding-DNA position 231, C replaced by T.
Protein change: p.Asp77=; no amino-acid change (aspartic acid 77 retained).
Molecular consequence: synonymous variant. On other transcripts: 5 prime UTR variant (1).
Genome position (GRCh38, 1-based): chr3:57,114,771, G>A on the plus strand (C>T on the coding strand, the complement: IL17RD is on the minus strand). VCF-style: chr3-57114771-G-A. GRCh37 (hg19) VCF-style: chr3-57148799-G-A.
Other names: c.-202C>T (NM_001318864.2).
Identifiers: ClinVar variation 4872418 (VCV004872418.2).